The following is an entry in ClinVar:

NM_001190274.2(FBXO11):c.886A>G (p.Thr296Ala)

Gene: FBXO11 (F-box protein 11; minus strand). Cytogenetic location: 2p16.3.
Variant type: single nucleotide variant.
Coding change: c.886A>G on transcript NM_001190274.2 (MANE Select); coding-DNA position 886, A replaced by G.
Protein change: p.Thr296Ala; replaces threonine 296 with alanine.
Molecular consequence: missense variant.
Genome position (GRCh38, 1-based): chr2:47,834,627, T>C on the plus strand (A>G on the coding strand, the complement: FBXO11 is on the minus strand). VCF-style: chr2-47834627-T-C. GRCh37 (hg19) VCF-style: chr2-48061766-T-C.
Other names: c.634A>G, p.Thr212Ala (NM_001374325.1, NM_025133.4); c.886A>G (NM_001190274.1); short protein forms T296A, T212A.
Identifiers: ClinVar variation 1430995 (VCV001430995.6), dbSNP rs144063499, ClinGen allele CA1650001.

ClinVar aggregate classification (germline): Conflicting classifications of pathogenicity. Review status: criteria provided, conflicting classifications (1 of 4 stars). 2 submissions from 2 submitters: Uncertain significance (1); Likely benign (1). Last evaluated 2024-10-28.

Conditions:
Inborn genetic diseases. Identifiers: MedGen C0950123, MeSH D030342.

Allele frequency attached by ClinVar (database versions not stated): gnomAD 0.00016 and 0.00014; ESP Exome Variant Server 0.00046; gnomAD exomes 0.00001 and 0.00002; ExAC 0.00003; TOPMed 0.00013.
gnomAD v4.1: 33 of 1,605,762 alleles (0.0021%); highest among the groups gnomAD compares: African/African-American, 0.043%; no homozygotes.

Submissions (2):

Labcorp Genetics (formerly Invitae), Labcorp
Classification: Uncertain significance. Last evaluated: 2024-10-28. Review status: criteria provided, single submitter. Criteria: Invitae Variant Classification Sherloc (09022015). Collection method: clinical testing. Allele origin: germline.
Comment: This sequence change replaces threonine, which is neutral and polar, with alanine, which is neutral and non-polar, at codon 296 of the FBXO11 protein (p.Thr296Ala). This variant is present in population databases (rs144063499, gnomAD 0.05%). This variant has not been reported in the literature in individuals affected with FBXO11-related conditions. ClinVar contains an entry for this variant (Variation ID: 1430995). An algorithm developed to predict the effect of missense changes on protein structure and function (PolyPhen-2) suggests that this variant¬†is likely to be tolerated. In summary, the available evidence is currently insufficient to determine the role of this variant in disease. Therefore, it has been classified as a Variant of Uncertain Significance.

Ambry Genetics
Classification: Likely benign for Inborn genetic diseases. Last evaluated: 2024-04-12. Review status: criteria provided, single submitter. Criteria: Ambry Variant Classification Scheme 2023. Collection method: clinical testing. Allele origin: germline.